The following is an entry in ClinVar:

NM_000018.4(ACADVL):c.1925T>C (p.Val642Ala)

Gene: ACADVL (acyl-CoA dehydrogenase very long chain; plus strand). Cytogenetic location: 17p13.1.
Variant type: single nucleotide variant.
Coding change: c.1925T>C on transcript NM_000018.4 (MANE Select); coding-DNA position 1925, T replaced by C.
Protein change: p.Val642Ala; replaces valine 642 with alanine.
Molecular consequence: missense variant.
Genome position (GRCh38, 1-based): chr17:7,225,054, T>C. VCF-style: chr17-7225054-T-C. GRCh37 (hg19) VCF-style: chr17-7128373-T-C.
Other names: c.1859T>C, p.Val620Ala (NM_001033859.3); c.1994T>C, p.Val665Ala (NM_001270447.2); c.1697T>C, p.Val566Ala (NM_001270448.2); short protein forms V642A, V566A, V620A, V665A.
Identifiers: ClinVar variation 2959929 (VCV002959929.2), dbSNP rs1282005622, ClinGen allele CA397726193.

ClinVar aggregate classification (germline): Conflicting classifications of pathogenicity. Review status: criteria provided, conflicting classifications (1 of 4 stars). 2 submissions from 2 submitters: Likely pathogenic (1); Uncertain significance (1). Last evaluated 2025-10-28.

Conditions:
Very long chain acyl-CoA dehydrogenase deficiency (ACADVLD). Also called: Very Long-Chain Acyl-Coenzyme A Dehydrogenase Deficiency; VLCAD Deficiency. Identifiers: Orphanet 26793, MedGen C3887523, MONDO:0008723, OMIM 201475.

Allele frequency attached by ClinVar (database versions not stated): gnomAD exomes below 0.00001; TOPMed below 0.00001; gnomAD 0.00001.

Submissions (2):

Myriad Genetics, Inc.
Classification: Uncertain significance for Very long chain acyl-CoA dehydrogenase deficiency. Last evaluated: 2025-10-28. Review status: criteria provided, single submitter. Criteria: Myriad Autosomal Dominant, Autosomal Recessive and X-Linked Classification Criteria (2023). Collection method: clinical testing. Allele origin: unknown.
Comment: NM_000018.3(ACADVL):c.1925T>C(V642A) is a missense variant classified as a variant of uncertain significance in the context of very-long-chain acyl-CoA dehydrogenase deficiency. V642A has not been observed in cases with relevant disease. Relevant functional assessments of this variant are not available in the literature. V642A has not been observed in referenced population frequency databases. In summary, there is insufficient evidence to classify NM_000018.3(ACADVL):c.1925T>C(V642A) as pathogenic or benign. Please note: this variant was assessed in the context of healthy population screening.

Labcorp Genetics (formerly Invitae), Labcorp
Classification: Likely pathogenic for Very long chain acyl-CoA dehydrogenase deficiency. Last evaluated: 2023-10-06. Review status: criteria provided, single submitter. Criteria: Invitae Variant Classification Sherloc (09022015). Collection method: clinical testing. Allele origin: germline.
Comment: This sequence change replaces valine, which is neutral and non-polar, with alanine, which is neutral and non-polar, at codon 642 of the ACADVL protein (p.Val642Ala). This variant is not present in population databases (gnomAD no frequency). This variant has not been reported in the literature in individuals affected with ACADVL-related conditions. Advanced modeling of protein sequence and biophysical properties (such as structural, functional, and spatial information, amino acid conservation, physicochemical variation, residue mobility, and thermodynamic stability) performed at Invitae indicates that this missense variant is expected to disrupt ACADVL protein function. This variant disrupts the p.Val642 amino acid residue in ACADVL. Other variant(s) that disrupt this residue have been determined to be pathogenic (PMID: 31031081). This suggests that this residue is clinically significant, and that variants that disrupt this residue are likely to be disease-causing. In summary, the currently available evidence indicates that the variant is pathogenic, but additional data are needed to prove that conclusively. Therefore, this variant has been classified as Likely Pathogenic.

Literature cited by the submitters: PubMed 31031081 (cited by Labcorp Genetics (formerly Invitae), Labcorp).